The following is an entry in ClinVar:

NM_001127644.2(GABRA1):c.944G>A (p.Trp315Ter)

Gene: GABRA1 (gamma-aminobutyric acid type A receptor subunit alpha1; plus strand). Cytogenetic location: 5q34.
Variant type: single nucleotide variant.
Coding change: c.944G>A on transcript NM_001127644.2 (MANE Select); coding-DNA position 944, G replaced by A.
Protein change: p.Trp315Ter; replaces tryptophan 315 with a stop codon.
Molecular consequence: nonsense.
Genome position (GRCh38, 1-based): chr5:161,895,753, G>A. VCF-style: chr5-161895753-G-A. GRCh37 (hg19) VCF-style: chr5-161322759-G-A.
Other names: c.944G>A, p.Trp315Ter (NM_000806.5, NM_001127643.2, NM_001127645.2 and 1 more transcripts); short protein forms W315*.
Identifiers: ClinVar variation 4784937 (VCV004784937.1).

ClinVar aggregate classification (germline): Pathogenic (1 of 4 stars; one submission).

Conditions:
Epilepsy, childhood absence 4 (ECA4). Also called: EPILEPSY, CHILDHOOD ABSENCE, SUSCEPTIBILITY TO, 4. Identifiers: Orphanet 307, MedGen C1970160.
Epilepsy, idiopathic generalized, susceptibility to, 13. Also called: EPILEPSY, JUVENILE MYOCLONIC, SUSCEPTIBILITY TO, 5. Identifiers: Orphanet 307, Orphanet 64280, MedGen C4013473, MONDO:0012627, OMIM 611136.
Idiopathic generalized epilepsy. Also called: EIG; Generalised epilepsy. Identifiers: MedGen C0270850, MONDO:0005579, OMIM 600669.

Submission:

Labcorp Genetics (formerly Invitae), Labcorp
Classification: Pathogenic for Epilepsy, childhood absence 4; Epilepsy, idiopathic generalized, susceptibility to, 13; Idiopathic generalized epilepsy. Last evaluated: 2025-06-27. Review status: criteria provided, single submitter. Criteria: Invitae Variant Classification Sherloc (09022015). Collection method: clinical testing. Allele origin: germline.
Comment: This sequence change creates a premature translational stop signal (p.Trp315*) in the GABRA1 gene. It is expected to result in an absent or disrupted protein product. Loss-of-function variants in GABRA1 are known to be pathogenic (PMID: 16718694). This variant is not present in population databases (gnomAD no frequency). This variant has not been reported in the literature in individuals affected with GABRA1-related conditions. For these reasons, this variant has been classified as Pathogenic.

Literature cited by the submitters: PubMed 16718694.